The following is an entry in ClinVar:

NM_003072.5(SMARCA4):c.4840C>T (p.Arg1614Trp)

Gene: SMARCA4 (SWI/SNF related BAF chromatin remodeling complex subunit ATPase 4; plus strand). Cytogenetic location: 19p13.2.
Variant type: single nucleotide variant.
Coding change: c.4840C>T on transcript NM_003072.5 (MANE Select); coding-DNA position 4840, C replaced by T.
Protein change: p.Arg1614Trp; replaces arginine 1614 with tryptophan.
Molecular consequence: missense variant. On other transcripts: non-coding transcript variant (1).
Genome position (GRCh38, 1-based): chr19:11,060,116, C>T. VCF-style: chr19-11060116-C-T. GRCh37 (hg19) VCF-style: chr19-11170792-C-T.
Other names: c.4840C>T, p.Arg1614Trp (NM_001128844.3); c.4750C>T, p.Arg1584Trp (NM_001128845.2); c.4747C>T, p.Arg1583Trp (NM_001128846.2); c.4741C>T, p.Arg1581Trp (NM_001128847.4, NM_001374457.1); c.4738C>T, p.Arg1580Trp (NM_001128848.2); c.4936C>T, p.Arg1646Trp (NM_001128849.3, NM_001387283.1); c.4936C>T (NM_001128849.2); short protein forms R1646W, R1583W, R1584W, R1580W, R1614W, R1581W.
Identifiers: ClinVar variation 580225 (VCV000580225.19), dbSNP rs1568565971, ClinGen allele CA404080658.

ClinVar aggregate classification (germline): Uncertain significance. Review status: criteria provided, multiple submitters, no conflicts (2 of 4 stars). 6 submissions from 6 submitters: Uncertain significance (6). Last evaluated 2025-06-17.

Conditions:
Rhabdoid tumor predisposition syndrome 2 (RTPS2). Identifiers: Orphanet 231108, Orphanet 69077, MedGen C2750074, MONDO:0013224, OMIM 613325.
Intellectual disability, autosomal dominant 16 (CSS4). Also called: COFFIN-SIRIS SYNDROME 4. Identifiers: Orphanet 1465, MedGen C3553249, MONDO:0013821, OMIM 614609.
Otosclerosis 12. Identifiers: MedGen C5935610, MONDO:0968980, OMIM 620792.
Hereditary cancer-predisposing syndrome. Also called: Neoplastic Syndromes, Hereditary; Tumor predisposition; Hereditary neoplastic syndrome; Hereditary Cancer Syndrome. Identifiers: Orphanet 140162, MedGen C0027672, MeSH D009386, MONDO:0015356.
SMARCA4-related disorder. Also called: SMARCA4-related condition.

Allele frequency attached by ClinVar (database versions not stated): gnomAD exomes below 0.00001.
gnomAD v4.1: 6 of 1,550,992 alleles (0.00039%); highest among the groups gnomAD compares: South Asian, 0.0012%; no homozygotes.

Submissions (6):

Labcorp Genetics (formerly Invitae), Labcorp
Classification: Uncertain significance for Rhabdoid tumor predisposition syndrome 2. Last evaluated: 2025-06-17. Review status: criteria provided, single submitter. Criteria: Invitae Variant Classification Sherloc (09022015). Collection method: clinical testing. Allele origin: germline.
Comment: This sequence change replaces arginine, which is basic and polar, with tryptophan, which is neutral and slightly polar, at codon 1646 of the SMARCA4 protein (p.Arg1646Trp). This variant is not present in population databases (gnomAD no frequency). This variant has not been reported in the literature in individuals affected with SMARCA4-related conditions. ClinVar contains an entry for this variant (Variation ID: 580225). Invitae Evidence Modeling of protein sequence and biophysical properties (such as structural, functional, and spatial information, amino acid conservation, physicochemical variation, residue mobility, and thermodynamic stability) has been performed for this missense variant. However, the output from this modeling did not meet the statistical confidence thresholds required to predict the impact of this variant on SMARCA4 protein function. In summary, the available evidence is currently insufficient to determine the role of this variant in disease. Therefore, it has been classified as a Variant of Uncertain Significance.

Ambry Genetics
Classification: Uncertain significance for Hereditary cancer-predisposing syndrome. Last evaluated: 2024-10-02. Review status: criteria provided, single submitter. Criteria: Ambry Variant Classification Scheme 2023. Collection method: clinical testing. Allele origin: germline.
Comment: The p.R1646W variant (also known as c.4936C>T), located in coding exon 34 of the SMARCA4 gene, results from a C to T substitution at nucleotide position 4936. The arginine at codon 1646 is replaced by tryptophan, an amino acid with dissimilar properties. This amino acid position is well conserved in available vertebrate species. In addition, the in silico prediction for this alteration is inconclusive. Based on the available evidence, the clinical significance of this variant remains unclear.

Fulgent Genetics
Classification: Uncertain significance for Rhabdoid tumor predisposition syndrome 2; Intellectual disability, autosomal dominant 16; Otosclerosis 12. Last evaluated: 2024-06-20. Review status: criteria provided, single submitter. Criteria: ACMG Guidelines, 2015. Collection method: clinical testing. Allele origin: germline.

PreventionGenetics, part of Exact Sciences
Classification: Uncertain significance for SMARCA4-related condition. Last evaluated: 2023-10-02. Review status: criteria provided, single submitter. Criteria: ACMG Guidelines, 2015. Collection method: clinical testing. Allele origin: germline.
Comment: The SMARCA4 c.4936C>T variant is predicted to result in the amino acid substitution p.Arg1646Trp. To our knowledge, this variant has not been reported in the literature or in a large population database, indicating this variant is rare. At this time, the clinical significance of this variant is uncertain due to the absence of conclusive functional and genetic evidence.

Sema4
Classification: Uncertain significance for Hereditary cancer-predisposing syndrome. Last evaluated: 2021-09-23. Review status: criteria provided, single submitter. Criteria: Sema4 Curation Guidelines. Collection method: curation. Allele origin: germline.
Comment: The SMARCA4 c.4936C>T (p.R1646W) variant has not been reported in the literature to our knowledge. It was not observed in the large and broad cohorts of the Genome Aggregation Database, but has been reported in ClinVar (Variation ID 580225). Functional studies have not been performed, and in silico predictions of the variant's effect on protein function are inconclusive. The evidence is insufficient to meet ACMG/AMP criteria for classifying the variant as benign or pathogenic. Thus, the clinical significance of this variant is currently uncertain.

Genome-Nilou Lab
Classification: Uncertain significance for Intellectual disability, autosomal dominant 16. Last evaluated: 2021-07-15. Review status: criteria provided, single submitter. Criteria: ACMG Guidelines, 2015. Collection method: clinical testing. Allele origin: germline. Affected: no.